The following is an entry in ClinVar:

NM_004380.3(CREBBP):c.3869T>C (p.Met1290Thr)

Gene: CREBBP (CREB binding lysine acetyltransferase; minus strand). Cytogenetic location: 16p13.3.
Variant type: single nucleotide variant.
Coding change: c.3869T>C on transcript NM_004380.3 (MANE Select); coding-DNA position 3869, T replaced by C.
Protein change: p.Met1290Thr; replaces methionine 1290 with threonine.
Molecular consequence: missense variant.
Genome position (GRCh38, 1-based): chr16:3,745,322, A>G on the plus strand (T>C on the coding strand, the complement: CREBBP is on the minus strand). VCF-style: chr16-3745322-A-G. GRCh37 (hg19) VCF-style: chr16-3795323-A-G.
Other names: c.3755T>C, p.Met1252Thr (NM_001079846.1); short protein forms M1252T, M1290T.
Identifiers: ClinVar variation 3900861 (VCV003900861.1).
Genomic context (GRCh38, chr16:3,745,322, plus strand): 5'-GGGGAAACAACTCACCCTGAAGGCCAAATGATGTCATAGTGCAGAACGCAAATCTGATGC[A>G]TCTTCCGGCCACACTCCTTGCAATCAACGAAACTAGGAGGCAAAGAAGGCGCACTGTTAA-3'
Protein context (NP_004371.2, residues 1280-1300): FVDCKECGRK[Met1290Thr]HQICVLHYDI

ClinVar aggregate classification (germline): Uncertain significance (1 of 4 stars; one submission).

Submission:

GeneDx
Classification: Uncertain significance. Last evaluated: 2024-11-27. Review status: criteria provided, single submitter. Criteria: GeneDx Variant Classification Process June 2021. Collection method: clinical testing. Allele origin: germline. Affected: yes.
Comment: Not observed at significant frequency in large population cohorts (gnomAD); In silico analysis supports that this missense variant has a deleterious effect on protein structure/function; Has not been previously published as pathogenic or benign to our knowledge